The following is an entry in ClinVar:

NM_000548.5(TSC2):c.848+285G>T

Gene: TSC2 (TSC complex subunit 2; plus strand). Cytogenetic location: 16p13.3.
Variant type: single nucleotide variant.
Coding change: c.848+285G>T on transcript NM_000548.5 (MANE Select); 285 bases into the intron after coding-DNA position 848, G replaced by T.
Molecular consequence: intron variant.
Genome position (GRCh38, 1-based): chr16:2,057,463, G>T. VCF-style: chr16-2057463-G-T. GRCh37 (hg19) VCF-style: chr16-2107464-G-T.
Other names: c.-584+285G>T (NM_001406693.1, NM_001406689.1, NM_001406690.1 and 4 more transcripts); c.938+285G>T (NM_001406667.1, NM_001406668.1); c.248+285G>T (NM_001406680.1, NM_001406683.1, NM_001406687.1 and 6 more transcripts); c.-760+285G>T (NM_001406698.1); c.848+285G>T (NM_001114382.3, NM_001406663.1, NM_001406664.1 and 6 more transcripts); c.-465+285G>T (NM_001406694.1, NM_001406695.1); c.836+285G>T (NM_001406671.1, NM_001406673.1); c.386+285G>T (NM_001406681.1); and 4 more.
Identifiers: ClinVar variation 4855963 (VCV004855963.1).
Genomic context (GRCh38, chr16:2,057,463, plus strand): 5'-CCCCATGCTCGGACGTCCTCCAGCGGTGCTCCCCAACTACTTAGCCTGTTACAAGGCGAG[G>T]CTCGGGGTCTTGGCTTGACGTTGCCCTTGCCCTCACCCCCACAGCCAGGCTGTGGCCACT-3'

ClinVar aggregate classification (germline): Uncertain significance (1 of 4 stars; one submission).

Conditions:
Tuberous sclerosis 2 (TSC2). Identifiers: Orphanet 805, MedGen C1860707, MONDO:0013199, OMIM 613254.

Submission:

3billion
Classification: Uncertain significance for Tuberous sclerosis 2. Last evaluated: 2025-07-14. Review status: criteria provided, single submitter. Criteria: ACMG Guidelines, 2015. Collection method: clinical testing. Allele origin: germline. Affected: yes.
Comment: The variant is not observed in the gnomAD v4.1.0 dataset. Predicted Consequence/Location: Intron variant In silico tools predict the variant to alter splicing and produce an abnormal transcript [SpliceAI: 0.65 (>=0.2, moderate evidence for spliceogenicity)]. Therefore, this variant is classified as VUS according to the recommendation of ACMG/AMP guideline.